The following is an entry in ClinVar:

ClinVar aggregate classification (germline): Likely pathogenic. Review status: criteria provided, single submitter (1 of 4 stars). 2 submissions from 2 submitters: Likely pathogenic (1). 1 of the submissions does not count toward it. Last evaluated 2024-07-10.

Conditions:
Adams-Oliver syndrome 5 (AOS5). Identifiers: Orphanet 974, MedGen C4014970, MONDO:0014459, OMIM 616028.
Aortic valve disease 1 (AOVD1). Identifiers: MedGen C3887892, MONDO:0024523, OMIM 109730.

Submissions (2):

Equipe Genetique des Anomalies du Developpement, Université de Bourgogne
Classification: Likely pathogenic for Aortic valve disease 1. Last evaluated: 2024-07-10. Review status: criteria provided, single submitter. Criteria: ACMG Guidelines, 2015. Collection method: clinical testing. Allele origin: germline. Affected: yes.
Comment: The c.1542C>A nonsense variant is situated in a EDF-like protein domain and impacts a highly conserved amino acid. This variant has previously been reported as pathogenic in ClinVar (VC V001684569.1). It is reported once in gnomAD exomes (v4.1.0). Pathogenic monoallelic variants in the NOTCH1 gene are associated with Adams-Oliver syndrome (OMIM #616028) and aortic valve disease (OMIM #109730, PMID 17662764, 352884440). According to ACMG criteria, this variant is considered to be likely pathogenic.

Cytogénomique, Hospices Civils de Lyon
Classification: Pathogenic for Adams-Oliver syndrome 5. Review status: no assertion criteria provided. Collection method: clinical testing. Allele origin: paternal. Inheritance: Autosomal dominant inheritance. Affected: yes. Not counted in ClinVar's aggregate classification.

Literature cited by the submitters: PubMed 37239988 (cited by Equipe Genetique des Anomalies du Developpement, Université de Bourgogne); PubMed 17662764 (cited by Equipe Genetique des Anomalies du Developpement, Université de Bourgogne); PubMed 25132448 (cited by Equipe Genetique des Anomalies du Developpement, Université de Bourgogne).

NM_017617.5(NOTCH1):c.1542C>A (p.Cys514Ter)

Gene: NOTCH1 (notch receptor 1; minus strand). Cytogenetic location: 9q34.3.
Variant type: single nucleotide variant.
Coding change: c.1542C>A on transcript NM_017617.5 (MANE Select); coding-DNA position 1542, C replaced by A.
Protein change: p.Cys514Ter; replaces cysteine 514 with a stop codon.
Molecular consequence: nonsense.
Genome position (GRCh38, 1-based): chr9:136,517,285, G>T on the plus strand (C>A on the coding strand, the complement: NOTCH1 is on the minus strand). VCF-style: chr9-136517285-G-T. GRCh37 (hg19) VCF-style: chr9-139411737-G-T.
Other names: short protein forms C514*.
Identifiers: ClinVar variation 1684569 (VCV001684569.3), dbSNP rs779058908, ClinGen allele CA375562080.